The following is an entry in ClinVar:

ClinVar aggregate classification (germline): Uncertain significance (1 of 4 stars; one submission).

Submission:

Labcorp Genetics (formerly Invitae), Labcorp
Classification: Uncertain significance. Last evaluated: 2024-06-17. Review status: criteria provided, single submitter. Criteria: Invitae Variant Classification Sherloc (09022015). Collection method: clinical testing. Allele origin: germline.
Comment: This sequence change replaces glutamine, which is neutral and polar, with arginine, which is basic and polar, at codon 264 of the RFWD3 protein (p.Gln264Arg). This variant is not present in population databases (gnomAD no frequency). This variant has not been reported in the literature in individuals affected with RFWD3-related conditions. An algorithm developed to predict the effect of missense changes on protein structure and function (PolyPhen-2) suggests that this variant is likely to be tolerated. Algorithms developed to predict the effect of sequence changes on RNA splicing suggest that this variant may disrupt the consensus splice site. In summary, the available evidence is currently insufficient to determine the role of this variant in disease. Therefore, it has been classified as a Variant of Uncertain Significance.

NM_018124.4(RFWD3):c.791A>G (p.Gln264Arg)

Gene: RFWD3 (ring finger and WD repeat domain 3; minus strand). Cytogenetic location: 16q23.1.
Variant type: single nucleotide variant.
Coding change: c.791A>G on transcript NM_018124.4 (MANE Select); coding-DNA position 791, A replaced by G.
Protein change: p.Gln264Arg; replaces glutamine 264 with arginine.
Molecular consequence: missense variant. On other transcripts: 5 prime UTR variant (3), intron variant (2).
Genome position (GRCh38, 1-based): chr16:74,649,133, T>C on the plus strand (A>G on the coding strand, the complement: RFWD3 is on the minus strand). VCF-style: chr16-74649133-T-C. GRCh37 (hg19) VCF-style: chr16-74683031-T-C.
Other names: c.791A>G, p.Gln264Arg (NM_001370534.1, NM_001370535.1, NM_001370536.1); c.-218A>G (NM_001370537.1); c.-44A>G (NM_001370539.1, NM_001370540.1); c.-43+2787A>G (NM_001370543.1); c.-164-55A>G (NM_001370542.1); short protein forms Q264R.
Identifiers: ClinVar variation 3667896 (VCV003667896.2).
Genomic context (GRCh38, chr16:74,649,133, plus strand): 5'-TAGTCTCTAAAAATAAATAAATAAATAAATAGATTTTTTTAAAATGATGTTCATATTACC[T>C]GTTTGGGGAGGGTCTTGCCTCCATCGATACATGTAACTTCTTGCTCTGCTGAGACACCTG-3'
Protein context (NP_060594.3, residues 254-274): CIDGGKTLPK[Gln264Arg]PSPQKSEPLL